The following is an entry in ClinVar:

NM_001368894.2(PAX6):c.417A>C (p.Arg139Ser)

Gene: PAX6 (paired box 6; minus strand). Cytogenetic location: 11p13.
Variant type: single nucleotide variant.
Coding change: c.417A>C on transcript NM_001368894.2 (MANE Select); coding-DNA position 417, A replaced by C.
Protein change: p.Arg139Ser; replaces arginine 139 with serine.
Molecular consequence: missense variant. On other transcripts: 5 prime UTR variant (14), non-coding transcript variant (2).
Genome position (GRCh38, 1-based): chr11:31,800,839, T>G on the plus strand (A>C on the coding strand, the complement: PAX6 is on the minus strand). VCF-style: chr11-31800839-T-G. GRCh37 (hg19) VCF-style: chr11-31822387-T-G.
Other names: c.375A>C, p.Arg125Ser (NM_000280.6, NM_001127612.3, NM_001258464.2 and 10 more transcripts); c.417A>C, p.Arg139Ser (NM_001258462.3, NM_001258463.2, NM_001310158.2 and 6 more transcripts); c.-34A>C (NM_001310160.2, NM_001310161.3, NM_001368899.2 and 11 more transcripts); c.618A>C, p.Arg206Ser (NM_001368910.2); c.420A>C, p.Arg140Ser (NM_001368911.2); c.492A>C, p.Arg164Ser (NM_001368918.2, NM_001368919.2); c.450A>C, p.Arg150Ser (NM_001368920.2); c.216A>C, p.Arg72Ser (NM_001368921.2, NM_001368922.2, NM_001368923.2 and 4 more transcripts); and 1 more; short protein forms R206S, R139S, R150S, R58S, R125S, R140S, R164S, R72S.
Identifiers: ClinVar variation 1042660 (VCV001042660.8), dbSNP rs1231578758, ClinGen allele CA379958382.
Genomic context (GRCh38, chr11:31,800,839, plus strand): 5'-TTTATCATACATGCCGTCTGCGCCCATCTGTTGCTTTTCGCTAGCCAGGTTGCGAAGAAC[T>G]CTGTTTATTGATGACACCTGCAAATCAAACCAAAATCAAACCAAATGGTAGTGTCTCCTG-3'
Protein context (NP_001355823.1, residues 129-149): DNIPSVSSIN[Arg139Ser]VLRNLASEKQ

ClinVar aggregate classification (germline): Uncertain significance (1 of 4 stars; one submission).

Conditions:
Aniridia 1 (AN1). Identifiers: Orphanet 250923, MedGen C0344542, MONDO:0024507, OMIM 106210.
Irido-corneo-trabecular dysgenesis (ASGD5). Also called: ANTERIOR SEGMENT DYSGENESIS 5. Identifiers: Orphanet 708, MedGen C0344559, MONDO:0011414, OMIM 604229, HP:0000659.

Submission:

Labcorp Genetics (formerly Invitae), Labcorp
Classification: Uncertain significance for Aniridia 1; Irido-corneo-trabecular dysgenesis. Last evaluated: 2022-10-17. Review status: criteria provided, single submitter. Criteria: Invitae Variant Classification Sherloc (09022015). Collection method: clinical testing. Allele origin: germline.
Comment: In summary, the available evidence is currently insufficient to determine the role of this variant in disease. Therefore, it has been classified as a Variant of Uncertain Significance. Advanced modeling of protein sequence and biophysical properties (such as structural, functional, and spatial information, amino acid conservation, physicochemical variation, residue mobility, and thermodynamic stability) performed at Invitae indicates that this missense variant is expected to disrupt PAX6 protein function. ClinVar contains an entry for this variant (Variation ID: 1042660). This variant has not been reported in the literature in individuals affected with PAX6-related conditions. This variant is not present in population databases (gnomAD no frequency). This sequence change replaces arginine, which is basic and polar, with serine, which is neutral and polar, at codon 125 of the PAX6 protein (p.Arg125Ser).